The following is an entry in ClinVar:

NM_182914.3(SYNE2):c.2233C>G (p.Gln745Glu)

Gene: SYNE2 (spectrin repeat containing nuclear envelope protein 2; plus strand). Cytogenetic location: 14q23.2.
Variant type: single nucleotide variant.
Coding change: c.2233C>G on transcript NM_182914.3 (MANE Select); coding-DNA position 2233, C replaced by G.
Protein change: p.Gln745Glu; replaces glutamine 745 with glutamic acid.
Molecular consequence: missense variant.
Genome position (GRCh38, 1-based): chr14:63,986,537, C>G. VCF-style: chr14-63986537-C-G. GRCh37 (hg19) VCF-style: chr14-64453255-C-G.
Other names: c.2233C>G, p.Gln745Glu (NM_015180.6); short protein forms Q745E.
Identifiers: ClinVar variation 1400956 (VCV001400956.8), dbSNP rs2153479422, ClinGen allele CA389969119.

ClinVar aggregate classification (germline): Uncertain significance (1 of 4 stars; one submission).

Conditions:
Emery-Dreifuss muscular dystrophy 5, autosomal dominant (EDMD5). Also called: EMERY-DREIFUSS MUSCULAR DYSTROPHY 5. Identifiers: Orphanet 261, MedGen C2751805, MONDO:0013072, OMIM 612999.

Submission:

Labcorp Genetics (formerly Invitae), Labcorp
Classification: Uncertain significance for Emery-Dreifuss muscular dystrophy 5, autosomal dominant. Last evaluated: 2021-06-17. Review status: criteria provided, single submitter. Criteria: Invitae Variant Classification Sherloc (09022015). Collection method: clinical testing. Allele origin: germline.
Comment: This sequence change replaces glutamine with glutamic acid at codon 745 of the SYNE2 protein (p.Gln745Glu). The glutamine residue is weakly conserved and there is a small physicochemical difference between glutamine and glutamic acid. This variant is not present in population databases (ExAC no frequency). This variant has not been reported in the literature in individuals with SYNE2-related conditions. Algorithms developed to predict the effect of missense changes on protein structure and function output the following: SIFT: "Tolerated"; PolyPhen-2: "Benign"; Align-GVGD: "Class C0". The glutamic acid amino acid residue is found in multiple mammalian species, suggesting that this missense change does not adversely affect protein function. These predictions have not been confirmed by published functional studies and their clinical significance is uncertain. In summary, the available evidence is currently insufficient to determine the role of this variant in disease. Therefore, it has been classified as a Variant of Uncertain Significance.